The following is an entry in ClinVar:

ClinVar aggregate classification (germline): Pathogenic (1 of 4 stars; one submission).

Conditions:
Hereditary breast ovarian cancer syndrome. Also called: Hereditary breast and ovarian cancer; Hereditary breast and ovarian cancer syndrome; Breast and ovarian cancer; BRCA1- and BRCA2-Associated Hereditary Breast and Ovarian Cancer; Hereditary breast and/or ovarian cancer syndrome; Hereditary breast and ovarian cancer syndrome (HBOC). Identifiers: Orphanet 145, MedGen C0677776, MeSH D061325, MONDO:0003582. Disease mechanism: loss of function.

Submission:

Labcorp Genetics (formerly Invitae), Labcorp
Classification: Pathogenic for Hereditary breast ovarian cancer syndrome. Last evaluated: 2021-10-07. Review status: criteria provided, single submitter. Criteria: Invitae Variant Classification Sherloc (09022015). Collection method: clinical testing. Allele origin: germline.
Comment: For these reasons, this variant has been classified as Pathogenic. Algorithms developed to predict the effect of sequence changes on RNA splicing suggest that this variant may create or strengthen a splice site, but this prediction has not been confirmed by published transcriptional studies. This variant has not been reported in the literature in individuals with BRCA2-related conditions. This variant is not present in population databases (ExAC no frequency). This sequence change creates a premature translational stop signal (p.Gln2934Hisfs*2) in the BRCA2 gene. It is expected to result in an absent or disrupted protein product. Loss-of-function variants in BRCA2 are known to be pathogenic (PMID: 20104584).

Literature cited by the submitters: PubMed 20104584.

NM_000059.4(BRCA2):c.8776_8801dup (p.Gln2934delinsHisTer)

Gene: BRCA2 (BRCA2 DNA repair associated; plus strand). Cytogenetic location: 13q13.1.
Variant type: Duplication.
Coding change: c.8776_8801dup on transcript NM_000059.4 (MANE Select); coding-DNA positions 8776 to 8801, 26 bases duplicated (TTAAGAGCCTTGAATAATCACAGGCA).
Protein change: p.Gln2934delinsHisTer.
Molecular consequence: nonsense.
Genome position (GRCh38, 1-based): chr13:32,379,338-32,379,363, TTAAGAGCCTTGAATAATCACAGGCA duplicated. VCF-style (leftmost placement, unchanged base first): chr13-32379337-G-GTTAAGAGCCTTGAATAATCACAGGCA. GRCh37 (hg19) VCF-style: chr13-32953474-G-GTTAAGAGCCTTGAATAATCACAGGCA.
Identifiers: ClinVar variation 1443089 (VCV001443089.6), dbSNP rs2137619109, ClinGen allele CA2573149226.